The following is an entry in ClinVar:

ClinVar aggregate classification (germline): Uncertain significance (1 of 4 stars; one submission).

gnomAD v4.1: 2 of 1,613,978 alleles (0.00012%); highest among the groups gnomAD compares: Non-Finnish European, 0.00017%; no homozygotes.

Submission:

Women's Health and Genetics/Laboratory Corporation of America, LabCorp
Classification: Uncertain significance. Last evaluated: 2025-02-03. Review status: criteria provided, single submitter. Criteria: LabCorp Variant Classification Summary - May 2015. Collection method: clinical testing. Allele origin: germline.
Comment: Variant summary: TPH2 c.119A>C (p.Asn40Thr) results in a non-conservative amino acid change in the encoded protein sequence. Three of five in-silico tools predict a benign effect of the variant on protein function. The variant was absent in 250998 control chromosomes. The available data on variant occurrences in the general population are insufficient to allow any conclusion about variant significance. To our knowledge, no occurrence of c.119A>C in individuals affected with TPH2-Related Disorders and no experimental evidence demonstrating its impact on protein function have been reported. No submitters have cited clinical-significance assessments for this variant to ClinVar. Based on the evidence outlined above, the variant was classified as uncertain significance.

NM_173353.4(TPH2):c.119A>C (p.Asn40Thr)

Gene: TPH2 (tryptophan hydroxylase 2; plus strand). Cytogenetic location: 12q21.1.
Variant type: single nucleotide variant.
Coding change: c.119A>C on transcript NM_173353.4 (MANE Select); coding-DNA position 119, A replaced by C.
Protein change: p.Asn40Thr; replaces asparagine 40 with threonine.
Molecular consequence: missense variant.
Genome position (GRCh38, 1-based): chr12:71,941,597, A>C. VCF-style: chr12-71941597-A-C. GRCh37 (hg19) VCF-style: chr12-72335377-A-C.
Other names: short protein forms N40T.
Identifiers: ClinVar variation 3768794 (VCV003768794.1).
Genomic context (GRCh38, chr12:71,941,597, plus strand): 5'-GAACCCTAACTAATATTTTGTTTTATTATGCTTCGACATTCCTGAAGCTAAATAAACCTA[A>C]CTCTGGCAAAAATGACGACAAAGGCAACAAGGGAAGCAGCAAACGTGAAGCTGCTACCGA-3'
Protein context (NP_775489.2, residues 30-50): LLGSSTLNKP[Asn40Thr]SGKNDDKGNK